The following is an entry in ClinVar:

ClinVar aggregate classification (germline): Uncertain significance. Review status: criteria provided, multiple submitters, no conflicts (2 of 4 stars). 2 submissions from 2 submitters: Uncertain significance (2). Last evaluated 2025-09-25.

Conditions:
Inborn genetic diseases. Identifiers: MedGen C0950123, MeSH D030342.

Allele frequency attached by ClinVar (database versions not stated): ExAC 0.00001; gnomAD 0.00002; TOPMed 0.00003.
gnomAD v4.1: 89 of 1,613,854 alleles (0.0055%); highest among the groups gnomAD compares: Non-Finnish European, 0.0074%; no homozygotes.

Submissions (2):

Ambry Genetics
Classification: Uncertain significance for Inborn genetic diseases. Last evaluated: 2025-09-25. Review status: criteria provided, single submitter. Criteria: Ambry Variant Classification Scheme 2023. Collection method: clinical testing. Allele origin: germline.

Labcorp Genetics (formerly Invitae), Labcorp
Classification: Uncertain significance. Last evaluated: 2022-09-18. Review status: criteria provided, single submitter. Criteria: Invitae Variant Classification Sherloc (09022015). Collection method: clinical testing. Allele origin: germline.
Comment: In summary, the available evidence is currently insufficient to determine the role of this variant in disease. Therefore, it has been classified as a Variant of Uncertain Significance. Advanced modeling of protein sequence and biophysical properties (such as structural, functional, and spatial information, amino acid conservation, physicochemical variation, residue mobility, and thermodynamic stability) performed at Invitae indicates that this missense variant is not expected to disrupt FLI1 protein function. This variant has not been reported in the literature in individuals affected with FLI1-related conditions. This variant is present in population databases (rs201473472, gnomAD 0.002%). This sequence change replaces phenylalanine, which is neutral and non-polar, with leucine, which is neutral and non-polar, at codon 159 of the FLI1 protein (p.Phe159Leu).

NM_002017.5(FLI1):c.477C>G (p.Phe159Leu)

Gene: FLI1 (Fli-1 proto-oncogene, ETS transcription factor; plus strand). Cytogenetic location: 11q24.3.
Variant type: single nucleotide variant.
Coding change: c.477C>G on transcript NM_002017.5 (MANE Select); coding-DNA position 477, C replaced by G.
Protein change: p.Phe159Leu; replaces phenylalanine 159 with leucine.
Molecular consequence: missense variant. On other transcripts: intron variant (1).
Genome position (GRCh38, 1-based): chr11:128,772,873, C>G. VCF-style: chr11-128772873-C-G. GRCh37 (hg19) VCF-style: chr11-128642768-C-G.
Other names: c.378C>G, p.Phe126Leu (NM_001167681.3); c.279C>G, p.Phe93Leu (NM_001271010.2); c.11-9085C>G (NM_001271012.2); c.477C>G (NM_002017.3); short protein forms F126L, F93L, F159L.
Identifiers: ClinVar variation 2196521 (VCV002196521.5), dbSNP rs201473472, ClinGen allele CA6357137.